The following is an entry in ClinVar:

ClinVar aggregate classification (germline): Uncertain significance (1 of 4 stars; one submission).

gnomAD v4.1: 12 of 1,614,034 alleles (0.00074%); highest among the groups gnomAD compares: Admixed American, 0.0017%; no homozygotes.

Submission:

Labcorp Genetics (formerly Invitae), Labcorp
Classification: Uncertain significance. Last evaluated: 2022-02-23. Review status: criteria provided, single submitter. Criteria: Invitae Variant Classification Sherloc (09022015). Collection method: clinical testing. Allele origin: germline.
Comment: In summary, the available evidence is currently insufficient to determine the role of this variant in disease. Therefore, it has been classified as a Variant of Uncertain Significance. Algorithms developed to predict the effect of missense changes on protein structure and function are either unavailable or do not agree on the potential impact of this missense change (SIFT: "Not Available"; PolyPhen-2: "Probably Damaging"; Align-GVGD: "Not Available"). This variant has not been reported in the literature in individuals affected with ADAMTS18-related conditions. This variant is not present in population databases (gnomAD no frequency). This sequence change replaces serine, which is neutral and polar, with tyrosine, which is neutral and polar, at codon 1059 of the ADAMTS18 protein (p.Ser1059Tyr).

NM_199355.4(ADAMTS18):c.3176C>A (p.Ser1059Tyr)

Gene: ADAMTS18 (ADAM metallopeptidase with thrombospondin type 1 motif 18; minus strand). Cytogenetic location: 16q23.1.
Variant type: single nucleotide variant.
Coding change: c.3176C>A on transcript NM_199355.4 (MANE Select); coding-DNA position 3176, C replaced by A.
Protein change: p.Ser1059Tyr; replaces serine 1059 with tyrosine.
Molecular consequence: missense variant.
Genome position (GRCh38, 1-based): chr16:77,293,089, G>T on the plus strand (C>A on the coding strand, the complement: ADAMTS18 is on the minus strand). VCF-style: chr16-77293089-G-T. GRCh37 (hg19) VCF-style: chr16-77326986-G-T.
Other names: c.2660C>A, p.Ser887Tyr (NM_001326358.2); short protein forms S1059Y, S887Y.
Identifiers: ClinVar variation 2066233 (VCV002066233.4), dbSNP rs1432020394, ClinGen allele CA396832627.
Genomic context (GRCh38, chr16:77,293,089, plus strand): 5'-CAGGATGGTCTCAATCTCCTGACCCAGCAGTGACTTCTAATCCATACCTCGCTCCACGAA[G>T]AAGCGACCCACTGTAGCCGGCTGTTCTTGGGGCATCGTCCAAGCACACAGCCCTCCTGCA-3'
Protein context (NP_955387.1, residues 1049-1069): PKNSRLQWVA[Ser1059Tyr]SWSECSATCG